The following is an entry in ClinVar:

NM_205861.3(DHDDS):c.982C>A (p.Leu328Met)

Gene: DHDDS (dehydrodolichyl diphosphate synthase subunit; plus strand). Cytogenetic location: 1p36.11.
Variant type: single nucleotide variant.
Coding change: c.982C>A on transcript NM_205861.3 (MANE Select); coding-DNA position 982, C replaced by A.
Protein change: p.Leu328Met; replaces leucine 328 with methionine.
Molecular consequence: missense variant.
Genome position (GRCh38, 1-based): chr1:26,469,111, C>A. VCF-style: chr1-26469111-C-A. GRCh37 (hg19) VCF-style: chr1-26795602-C-A.
Other names: c.880C>A, p.Leu294Met (NM_001243564.2); c.865C>A, p.Leu289Met (NM_001243565.2); c.703C>A, p.Leu235Met (NM_001319959.2); c.985C>A, p.Leu329Met (NM_024887.4); short protein forms L329M, L294M, L328M, L235M, L289M.
Identifiers: ClinVar variation 3693310 (VCV003693310.2).

ClinVar aggregate classification (germline): Uncertain significance (1 of 4 stars; one submission).

Conditions:
Retinitis pigmentosa 59 (RP59). Identifiers: Orphanet 791, MedGen C3151227, MONDO:0013468, OMIM 613861.

gnomAD v4.1: 1 of 1,612,330 alleles (0.000062%); highest among the groups gnomAD compares: Non-Finnish European, 0.000085%; no homozygotes.

Submission:

Labcorp Genetics (formerly Invitae), Labcorp
Classification: Uncertain significance for Retinitis pigmentosa 59. Last evaluated: 2025-02-02. Review status: criteria provided, single submitter. Criteria: Invitae Variant Classification Sherloc (09022015). Collection method: clinical testing. Allele origin: germline.
Comment: This sequence change replaces leucine, which is neutral and non-polar, with methionine, which is neutral and non-polar, at codon 329 of the DHDDS protein (p.Leu329Met). This variant is not present in population databases (gnomAD no frequency). This variant has not been reported in the literature in individuals affected with DHDDS-related conditions. An algorithm developed to predict the effect of missense changes on protein structure and function (PolyPhen-2) suggests that this variant is likely to be disruptive. In summary, the available evidence is currently insufficient to determine the role of this variant in disease. Therefore, it has been classified as a Variant of Uncertain Significance.